The following is an entry in ClinVar:

NM_004104.5(FASN):c.196G>A (p.Gly66Arg)

Gene: FASN (fatty acid synthase; minus strand). Cytogenetic location: 17q25.3.
Variant type: single nucleotide variant.
Coding change: c.196G>A on transcript NM_004104.5 (MANE Select); coding-DNA position 196, G replaced by A.
Protein change: p.Gly66Arg; replaces glycine 66 with arginine.
Molecular consequence: missense variant.
Genome position (GRCh38, 1-based): chr17:82,095,404, C>T on the plus strand (G>A on the coding strand, the complement: FASN is on the minus strand). VCF-style: chr17-82095404-C-T. GRCh37 (hg19) VCF-style: chr17-80053280-C-T.
Other names: short protein forms G66R.
Identifiers: ClinVar variation 1938457 (VCV001938457.5), dbSNP rs761309249, ClinGen allele CA401566306.

ClinVar aggregate classification (germline): Uncertain significance (1 of 4 stars; one submission).

Conditions:
Epileptic encephalopathy. Identifiers: MedGen C0543888, HP:0200134.

Allele frequency attached by ClinVar (database versions not stated): TOPMed below 0.00001; gnomAD 0.00001.
gnomAD v4.1: 9 of 1,612,848 alleles (0.00056%); highest among the groups gnomAD compares: African/African-American, 0.0013%; no homozygotes.

Submission:

Labcorp Genetics (formerly Invitae), Labcorp
Classification: Uncertain significance for Epileptic encephalopathy. Last evaluated: 2022-11-02. Review status: criteria provided, single submitter. Criteria: Invitae Variant Classification Sherloc (09022015). Collection method: clinical testing. Allele origin: germline.
Comment: This variant is present in population databases (no rsID available, gnomAD 0.01%). This sequence change replaces glycine, which is neutral and non-polar, with arginine, which is basic and polar, at codon 66 of the FASN protein (p.Gly66Arg). In summary, the available evidence is currently insufficient to determine the role of this variant in disease. Therefore, it has been classified as a Variant of Uncertain Significance. Algorithms developed to predict the effect of missense changes on protein structure and function are either unavailable or do not agree on the potential impact of this missense change (SIFT: "Deleterious"; PolyPhen-2: "Probably Damaging"; Align-GVGD: "Class C0"). This variant has not been reported in the literature in individuals affected with FASN-related conditions.